The following is an entry in ClinVar:

ClinVar aggregate classification (germline): Uncertain significance. Review status: criteria provided, multiple submitters, no conflicts (2 of 4 stars). 8 submissions from 8 submitters: Uncertain significance (7). 1 of the submissions does not count toward it. Last evaluated 2025-02-10.

Conditions:
Hereditary cancer-predisposing syndrome. Also called: Neoplastic Syndromes, Hereditary; Tumor predisposition; Hereditary Cancer Syndrome; Hereditary neoplastic syndrome. Identifiers: Orphanet 140162, MedGen C0027672, MeSH D009386, MONDO:0015356.
Bloom syndrome (BLM). Also called: Bloom-Torre-Machacek syndrome. Identifiers: Orphanet 125, MedGen C0005859, MONDO:0008876, OMIM 210900.

Allele frequency attached by ClinVar (database versions not stated): gnomAD exomes below 0.00001; TOPMed below 0.00001; ExAC 0.00001; gnomAD 0.00001.

Submissions (8):

Quest Diagnostics Nichols Institute San Juan Capistrano
Classification: Uncertain significance. Last evaluated: 2025-02-10. Review status: criteria provided, single submitter. Criteria: Quest Diagnostics criteria. Collection method: clinical testing. Allele origin: unknown.
Comment: The BLM c.2271C>G (p.Asp757Glu) variant has not been reported in individuals with BLM-related conditions in the published literature. The frequency of this variant in the general population (Genome Aggregation Database) is uninformative in the assessment of its pathogenicity. Analysis of this variant using a bioinformatics tool (i.e., PolyPhen-2) for the prediction of the effect of amino acid changes on protein structure and function yielded a prediction that this variant is benign. Based on the available information, we are unable to determine the clinical significance of this variant.

Labcorp Genetics (formerly Invitae), Labcorp
Classification: Uncertain significance for Bloom syndrome. Last evaluated: 2024-07-26. Review status: criteria provided, single submitter. Criteria: Invitae Variant Classification Sherloc (09022015). Collection method: clinical testing. Allele origin: germline.
Comment: This sequence change replaces aspartic acid, which is acidic and polar, with glutamic acid, which is acidic and polar, at codon 757 of the BLM protein (p.Asp757Glu). This variant is present in population databases (rs773761682, gnomAD 0.0009%). This variant has not been reported in the literature in individuals affected with BLM-related conditions. ClinVar contains an entry for this variant (Variation ID: 820996). Advanced modeling of protein sequence and biophysical properties (such as structural, functional, and spatial information, amino acid conservation, physicochemical variation, residue mobility, and thermodynamic stability) performed at Invitae indicates that this missense variant is not expected to disrupt BLM protein function with a negative predictive value of 80%. In summary, the available evidence is currently insufficient to determine the role of this variant in disease. Therefore, it has been classified as a Variant of Uncertain Significance.

Ambry Genetics
Classification: Uncertain significance for Hereditary cancer-predisposing syndrome. Last evaluated: 2023-11-02. Review status: criteria provided, single submitter. Criteria: Ambry Variant Classification Scheme 2023. Collection method: clinical testing. Allele origin: germline.

Sema4
Classification: Uncertain significance for Hereditary cancer-predisposing syndrome. Last evaluated: 2022-03-17. Review status: criteria provided, single submitter. Criteria: Sema4 Curation Guidelines. Collection method: curation. Allele origin: germline.
Comment: The BLM c.2271C>G(p.D757E) variant has not been reported in the literature to our knowledge. This variant was observed in 1/113250 chromosomes in the Non-Finnish European subpopulation according to the Genome Aggregation Database (PMID: 32461654). The variant has been reported in ClinVar (Variation ID: 820996). Functional studies have not been performed, and in silico predictions of the variant's effect on protein function are inconclusive. The evidence is insufficient to meet ACMG/AMP criteria for classifying the variant as benign or pathogenic. Thus, the clinical significance of this variant is currently uncertain.

Fulgent Genetics
Classification: Uncertain significance for Bloom syndrome. Last evaluated: 2021-07-14. Review status: criteria provided, single submitter. Criteria: ACMG Guidelines, 2015. Collection method: clinical testing. Allele origin: unknown.

GeneDx
Classification: Uncertain significance. Last evaluated: 2019-09-23. Review status: criteria provided, single submitter. Criteria: GeneDx Variant Classification Process June 2021. Collection method: clinical testing. Allele origin: germline. Affected: yes.
Comment: Not observed at a significant frequency in large population cohorts (Lek 2016); In silico analysis, which includes protein predictors and evolutionary conservation, supports that this variant does not alter protein structure/function; Has not been previously published as pathogenic or benign to our knowledge

Illumina Laboratory Services, Illumina
Classification: Uncertain significance for Bloom syndrome. Last evaluated: 2018-01-13. Review status: criteria provided, single submitter. Criteria: ICSL Variant Classification Criteria 13 December 2019. Collection method: clinical testing. Allele origin: germline.

Natera, Inc.
Classification: Uncertain significance for Bloom syndrome. Last evaluated: 2020-07-17. Review status: no assertion criteria provided. Collection method: clinical testing. Allele origin: germline. Not counted in ClinVar's aggregate classification.

NM_000057.4(BLM):c.2271C>G (p.Asp757Glu)

Gene: BLM (BLM RecQ like helicase; plus strand). Cytogenetic location: 15q26.1.
Variant type: single nucleotide variant.
Coding change: c.2271C>G on transcript NM_000057.4 (MANE Select); coding-DNA position 2271, C replaced by G.
Protein change: p.Asp757Glu; replaces aspartic acid 757 with glutamic acid.
Molecular consequence: missense variant.
Genome position (GRCh38, 1-based): chr15:90,766,987, C>G. VCF-style: chr15-90766987-C-G. GRCh37 (hg19) VCF-style: chr15-91310217-C-G.
Other names: c.2271C>G, p.Asp757Glu (NM_001287246.2, NM_001287247.2); c.1146C>G, p.Asp382Glu (NM_001287248.2); short protein forms D382E, D757E.
Identifiers: ClinVar variation 820996 (VCV000820996.22), dbSNP rs773761682, ClinGen allele CA7738708.